The following is an entry in ClinVar:

NM_000238.4(KCNH2):c.2769G>T (p.Pro923=)

Gene: KCNH2 (potassium voltage-gated channel subfamily H member 2; minus strand). Cytogenetic location: 7q36.1.
Variant type: single nucleotide variant.
Coding change: c.2769G>T on transcript NM_000238.4 (MANE Select); coding-DNA position 2769, G replaced by T.
Protein change: p.Pro923=; no amino-acid change (proline 923 retained).
Molecular consequence: synonymous variant.
Genome position (GRCh38, 1-based): chr7:150,947,802, C>A on the plus strand (G>T on the coding strand, the complement: KCNH2 is on the minus strand). VCF-style: chr7-150947802-C-A. GRCh37 (hg19) VCF-style: chr7-150644890-C-A.
Other names: c.1749G>T, p.Pro583= (NM_172057.3).
Identifiers: ClinVar variation 774274 (VCV000774274.16), dbSNP rs557789224, ClinGen allele CA458871208.

ClinVar aggregate classification (germline): Likely benign. Review status: criteria provided, multiple submitters, no conflicts (2 of 4 stars). 3 submissions from 3 submitters: Likely benign (3). Last evaluated 2024-02-05.

Conditions:
Cardiac arrhythmia. Also called: Cardiac rhythm disease; Arrhythmia. Identifiers: MedGen C0003811, MONDO:0007263, HP:0011675.
Long QT syndrome (LQTS). Identifiers: MedGen C0023976, MeSH D008133, MONDO:0002442. Disease mechanism: loss of function. Inheritance: Various modes of inheritance.

gnomAD v4.1: 1 of 1,530,590 alleles (0.000065%); highest among the groups gnomAD compares: Admixed American, 0.002%; no homozygotes.

Submissions (3):

All of Us Research Program, National Institutes of Health
Classification: Likely benign for Long QT syndrome. Last evaluated: 2024-02-05. Review status: criteria provided, single submitter. Criteria: ACMG Guidelines, 2015. Collection method: clinical testing. Allele origin: germline. Inheritance: Autosomal dominant inheritance. Observed: 1 variant allele, 1 heterozygote.
Comment: This study involves interpretation of variants in research participants for the purpose of population health screening. Participant phenotype was not available at the time of variant classification. Additional details can be found in publication PMID: 35346344, PMCID: PMC8962531

Color Diagnostics, LLC DBA Color Health
Classification: Likely benign for Cardiac arrhythmia. Last evaluated: 2021-02-01. Review status: criteria provided, single submitter. Criteria: ACMG Guidelines, 2015. Collection method: clinical testing. Allele origin: germline.

Labcorp Genetics (formerly Invitae), Labcorp
Classification: Likely benign for Long QT syndrome. Last evaluated: 2019-10-13. Review status: criteria provided, single submitter. Criteria: Invitae Variant Classification Sherloc (09022015). Collection method: clinical testing. Allele origin: germline.